The following is an entry in ClinVar:

NC_000009.12:g.35658032_35658043dup

Gene: RMRP (RNA component of mitochondrial RNA processing endoribonuclease; minus strand). Cytogenetic location: 9p13.3.
Variant type: Duplication.
Genome position: GRCh38 VCF-style: chr9-35658031-T-TCACAGAGTAGTA. GRCh37 (hg19) VCF-style: chr9-35658028-T-TCACAGAGTAGTA.
Identifiers: ClinVar variation 555561 (VCV000555561.4), dbSNP rs1554651526, ClinGen allele CA658821613.
Genomic context (GRCh38, chr9:35,658,031, plus strand): 5'-ACAGAGTCCTCAGTGTGTAGCCTAGGATACAGGCCTTCAGCACGAACCACGTCCTCAGCT[T>TCACAGAGTAGTA]CACAGAGTAGTATTTTATAGCCCTAAAGAAATTGTGTTTTATGATTAGGGTGAGAAAGTT-3'

ClinVar aggregate classification (germline): Pathogenic. Review status: criteria provided, single submitter (1 of 4 stars). 2 submissions from 2 submitters: Pathogenic (1). 1 of the submissions does not count toward it. Last evaluated 2024-02-23.

Conditions:
Anauxetic dysplasia. Identifiers: Orphanet 93347, MedGen C1846796, MONDO:0011773.
Metaphyseal chondrodysplasia, McKusick type (CHH). Also called: Cartilage-hair hypoplasia; Cartilage-Hair Hypoplasia (CHH). Identifiers: Orphanet 175, MedGen C0220748, MONDO:0009595, OMIM 250250.

Allele frequency attached by ClinVar (database versions not stated): gnomAD 0.00001; 1000 Genomes Project 30x 0.00016.

Submissions (2):

Labcorp Genetics (formerly Invitae), Labcorp
Classification: Pathogenic for Anauxetic dysplasia. Last evaluated: 2024-02-23. Review status: criteria provided, single submitter. Criteria: Invitae Variant Classification Sherloc (09022015). Collection method: clinical testing. Allele origin: germline.
Comment: This variant occurs in the RMRP gene, which encodes an RNA molecule that does not result in a protein product. This variant is not present in population databases (gnomAD no frequency). While this particular variant has not been reported in the literature, it is located in the promoter region between the TATA box and the transcription initiation site, and other insertions and duplications immediately upstream of the coding sequence have been reported in individuals affected with cartilage-hair hypoplasia-anauxetic dysplasia (CHH-AD) spectrum disorders (PMID: 16244706, 11207361, 12107819). While functional studies for this variant have not been reported, experimental analyses using patient derived cells, as well as in vitro transfection studies, have shown that promoter insertions result in silencing of RMRP transcription and reduced expression of the gene product (PMID: 11207361, 16254002). For these reasons, this variant has been classified as Pathogenic.

Counsyl
Classification: Likely pathogenic for Metaphyseal chondrodysplasia, McKusick type. Last evaluated: 2017-12-12. Review status: no assertion criteria provided. Collection method: clinical testing. Allele origin: unknown. Not counted in ClinVar's aggregate classification.

Literature cited by the submitters: PubMed 16244706 (cited by Labcorp Genetics (formerly Invitae), Labcorp); PubMed 11207361 (cited by Labcorp Genetics (formerly Invitae), Labcorp); PubMed 12107819 (cited by Labcorp Genetics (formerly Invitae), Labcorp); PubMed 16254002 (cited by Labcorp Genetics (formerly Invitae), Labcorp).